The following is an entry in ClinVar:

NM_173630.4(RTTN):c.1156A>G (p.Ile386Val)

Gene: RTTN (rotatin; minus strand). Cytogenetic location: 18q22.2.
Variant type: single nucleotide variant.
Coding change: c.1156A>G on transcript NM_173630.4 (MANE Select); coding-DNA position 1156, A replaced by G.
Protein change: p.Ile386Val; replaces isoleucine 386 with valine.
Molecular consequence: missense variant. On other transcripts: 5 prime UTR variant (1).
Genome position (GRCh38, 1-based): chr18:70,190,571, T>C on the plus strand (A>G on the coding strand, the complement: RTTN is on the minus strand). VCF-style: chr18-70190571-T-C. GRCh37 (hg19) VCF-style: chr18-67857807-T-C.
Other names: c.-1398A>G (NM_001318520.2); short protein forms I386V.
Identifiers: ClinVar variation 1943043 (VCV001943043.5), dbSNP rs2061646905, ClinGen allele CA402699017.

ClinVar aggregate classification (germline): Uncertain significance (1 of 4 stars; one submission).

Allele frequency attached by ClinVar (database versions not stated): gnomAD exomes below 0.00001; gnomAD 0.00001.
gnomAD v4.1: 3 of 1,613,788 alleles (0.00019%); highest among the groups gnomAD compares: African/African-American, 0.0013%; no homozygotes.

Submission:

Labcorp Genetics (formerly Invitae), Labcorp
Classification: Uncertain significance. Last evaluated: 2025-01-06. Review status: criteria provided, single submitter. Criteria: Invitae Variant Classification Sherloc (09022015). Collection method: clinical testing. Allele origin: germline.
Comment: This sequence change replaces isoleucine, which is neutral and non-polar, with valine, which is neutral and non-polar, at codon 386 of the RTTN protein (p.Ile386Val). This variant is not present in population databases (gnomAD no frequency). This variant has not been reported in the literature in individuals affected with RTTN-related conditions. ClinVar contains an entry for this variant (Variation ID: 1943043). Invitae Evidence Modeling of protein sequence and biophysical properties (such as structural, functional, and spatial information, amino acid conservation, physicochemical variation, residue mobility, and thermodynamic stability) indicates that this missense variant is not expected to disrupt RTTN protein function with a negative predictive value of 80%. In summary, the available evidence is currently insufficient to determine the role of this variant in disease. Therefore, it has been classified as a Variant of Uncertain Significance.